The following is an entry in ClinVar:

ClinVar aggregate classification (germline): Uncertain significance (1 of 4 stars; one submission).

Conditions:
Progressive microcephaly-seizures-cortical blindness-developmental delay syndrome. Also called: Seizures, cortical blindness, and microcephaly syndrome. Identifiers: Orphanet 477814, MedGen C5567650, MONDO:0014714, OMIM 616632.
Autosomal dominant nonsyndromic hearing loss 1. Also called: KONIGSMARK SYNDROME; DEAFNESS, AUTOSOMAL DOMINANT 1, WITH OR WITHOUT THROMBOCYTOPENIA. Identifiers: Orphanet 90635, MedGen C1852282, MONDO:0007424, OMIM 124900.

gnomAD v4.1: 6 of 1,614,142 alleles (0.00037%); highest among the groups gnomAD compares: Non-Finnish European, 0.00042%; no homozygotes.

Submission:

Labcorp Genetics (formerly Invitae), Labcorp
Classification: Uncertain significance for Progressive microcephaly-seizures-cortical blindness-developmental delay syndrome; Autosomal dominant nonsyndromic hearing loss 1. Last evaluated: 2023-04-29. Review status: criteria provided, single submitter. Criteria: Invitae Variant Classification Sherloc (09022015). Collection method: clinical testing. Allele origin: germline.
Comment: In summary, the available evidence is currently insufficient to determine the role of this variant in disease. Therefore, it has been classified as a Variant of Uncertain Significance. Experimental studies and prediction algorithms are not available or were not evaluated, and the functional significance of this variant is currently unknown. This variant has not been reported in the literature in individuals affected with DIAPH1-related conditions. This variant is not present in population databases (gnomAD no frequency). This sequence change replaces proline, which is neutral and non-polar, with alanine, which is neutral and non-polar, at codon 253 of the DIAPH1 protein (p.Pro253Ala).

NM_005219.5(DIAPH1):c.757C>G (p.Pro253Ala)

Gene: DIAPH1 (diaphanous related formin 1; minus strand). Cytogenetic location: 5q31.3.
Variant type: single nucleotide variant.
Coding change: c.757C>G on transcript NM_005219.5 (MANE Select); coding-DNA position 757, C replaced by G.
Protein change: p.Pro253Ala; replaces proline 253 with alanine.
Molecular consequence: missense variant.
Genome position (GRCh38, 1-based): chr5:141,580,811, G>C on the plus strand (C>G on the coding strand, the complement: DIAPH1 is on the minus strand). VCF-style: chr5-141580811-G-C. GRCh37 (hg19) VCF-style: chr5-140960378-G-C.
Other names: c.730C>G, p.Pro244Ala (NM_001079812.3); c.757C>G, p.Pro253Ala (NM_001314007.2); short protein forms P253A, P244A.
Identifiers: ClinVar variation 2935572 (VCV002935572.3), dbSNP rs2513764861, ClinGen allele CA361536804.